The following is an entry in ClinVar:

NM_000548.5(TSC2):c.1367A>G (p.Glu456Gly)

Gene: TSC2 (TSC complex subunit 2; plus strand). Cytogenetic location: 16p13.3.
Variant type: single nucleotide variant.
Coding change: c.1367A>G on transcript NM_000548.5 (MANE Select); coding-DNA position 1367, A replaced by G.
Protein change: p.Glu456Gly; replaces glutamic acid 456 with glycine.
Molecular consequence: missense variant.
Genome position (GRCh38, 1-based): chr16:2,062,977, A>G. VCF-style: chr16-2062977-A-G. GRCh37 (hg19) VCF-style: chr16-2112978-A-G.
Other names: c.1367A>G, p.Glu456Gly (NM_001077183.3, NM_001114382.3, NM_001363528.2 and 3 more transcripts); c.1256A>G, p.Glu419Gly (NM_001318827.2); c.1220A>G, p.Glu407Gly (NM_001318829.2); c.767A>G, p.Glu256Gly (NM_001318831.2); c.1400A>G, p.Glu467Gly (NM_001318832.2); short protein forms E456G, E407G, E419G, E256G, E467G.
Identifiers: ClinVar variation 231820 (VCV000231820.17), dbSNP rs876659386, ClinGen allele CA10579874.

ClinVar aggregate classification (germline): Conflicting classifications of pathogenicity. Review status: criteria provided, conflicting classifications (1 of 4 stars). 4 submissions from 4 submitters: Uncertain significance (3); Benign (1). Last evaluated 2025-09-27.

Conditions:
Hereditary cancer-predisposing syndrome. Also called: Hereditary Cancer Syndrome; Neoplastic Syndromes, Hereditary; Tumor predisposition; Hereditary neoplastic syndrome. Identifiers: Orphanet 140162, MedGen C0027672, MeSH D009386, MONDO:0015356.
Tuberous sclerosis syndrome (TSC). Also called: Tuberous sclerosis; Tuberous Sclerosis Complex. Identifiers: Orphanet 805, MedGen C0041341, MONDO:0001734.
Tuberous sclerosis 2 (TSC2). Identifiers: Orphanet 805, MedGen C1860707, MONDO:0013199, OMIM 613254.

Allele frequency attached by ClinVar (database versions not stated): gnomAD exomes below 0.00001 and 0.00001.
gnomAD v4.1: 2 of 1,550,634 alleles (0.00013%); highest among the groups gnomAD compares: Admixed American, 0.002%; no homozygotes.

Submissions (4):

Labcorp Genetics (formerly Invitae), Labcorp
Classification: Benign for Tuberous sclerosis 2. Last evaluated: 2025-09-27. Review status: criteria provided, single submitter. Criteria: Invitae Variant Classification Sherloc (09022015). Collection method: clinical testing. Allele origin: germline.

Ambry Genetics
Classification: Uncertain significance for Hereditary cancer-predisposing syndrome. Last evaluated: 2025-09-01. Review status: criteria provided, single submitter. Criteria: Ambry Variant Classification Scheme 2023. Collection method: clinical testing. Allele origin: germline.
Comment: The p.E456G variant (also known as c.1367A>G), located in coding exon 13 of the TSC2 gene, results from an A to G substitution at nucleotide position 1367. The glutamic acid at codon 456 is replaced by glycine, an amino acid with similar properties. This amino acid position is highly conserved in available vertebrate species. In addition, this alteration is predicted to be deleterious by in silico analysis. Since supporting evidence is limited at this time, the clinical significance of this alteration remains unclear.

All of Us Research Program, National Institutes of Health
Classification: Uncertain significance for Tuberous sclerosis syndrome. Last evaluated: 2024-04-16. Review status: criteria provided, single submitter. Criteria: ACMG Guidelines, 2015. Collection method: clinical testing. Allele origin: germline. Inheritance: Autosomal dominant inheritance. Observed: 1 variant allele, 1 heterozygote.
Comment: This missense variant replaces glutamic acid with glycine at codon 456 of the TSC2 protein. Computational prediction is inconclusive regarding the impact of this variant on protein structure and function (internally defined REVEL score threshold 0.5 < inconclusive < 0.7, PMID: 27666373). To our knowledge, functional studies have not been reported for this variant. This variant has not been reported in individuals affected with TSC2-related disorders in the literature. This variant has been identified in 1/155466 chromosomes in the general population by the Genome Aggregation Database (gnomAD). The available evidence is insufficient to determine the role of this variant in disease conclusively. Therefore, this variant is classified as a Variant of Uncertain Significance.

This study involves interpretation of variants in research participants for the purpose of population health screening. Participant phenotype was not available at the time of variant classification. Additional details can be found in publication PMID: 35346344, PMCID: PMC8962531

Genome-Nilou Lab
Classification: Uncertain significance for Tuberous sclerosis 2. Last evaluated: 2021-11-07. Review status: criteria provided, single submitter. Criteria: ACMG Guidelines, 2015. Collection method: clinical testing. Allele origin: germline. Affected: no.